The following is an entry in ClinVar:

ClinVar aggregate classification (germline): Pathogenic/Likely pathogenic. Review status: criteria provided, multiple submitters, no conflicts (2 of 4 stars). 7 submissions from 7 submitters: Pathogenic (4); Likely pathogenic (1). 2 of the submissions do not count toward it. Last evaluated 2025-09-24.

Conditions:
FGA-related disorder. Also called: FGA-related disorders; FGA-related condition.
Familial dysfibrinogenemia. Also called: Dysfibrinogenemia, congenital. Identifiers: Orphanet 335, Orphanet 98881, MedGen C0272350, MONDO:0014452, OMIM 616004.
Dysfibrinogenemia. Identifiers: MedGen C1260903, HP:0011901.
Congenital afibrinogenemia. Identifiers: Orphanet 335, Orphanet 98880, MedGen C2584774, MONDO:0008737, OMIM 202400.

Allele frequency attached by ClinVar (database versions not stated): gnomAD exomes below 0.00001; gnomAD 0.00001.
gnomAD v4.1: 4 of 1,613,694 alleles (0.00025%); highest among the groups gnomAD compares: African/African-American, 0.0013%; no homozygotes.

Submissions (7):

Genesolutions, Medical Genetics Institutes, Ho Chi Minh City, Vietnam
Classification: Pathogenic for Congenital afibrinogenemia. Last evaluated: 2025-09-24. Review status: criteria provided, single submitter. Criteria: ACMG Guidelines, 2015. Collection method: clinical testing. Allele origin: germline. Affected: yes.

GeneDx
Classification: Pathogenic. Last evaluated: 2025-08-05. Review status: criteria provided, single submitter. Criteria: GeneDx Variant Classification Process June 2021. Collection method: clinical testing. Allele origin: germline. Affected: yes.
Comment: Not observed at significant frequency in large population cohorts (gnomAD); Published functional studies suggest a damaging effect on protein function leading to increased clotting time and reduced thromboyte activity (PMID: 33440782); In silico analysis supports that this missense variant has a deleterious effect on protein structure/function; Also known as Aa R16C; This variant is associated with the following publications: (PMID: 22967385, 8457654, 31924745, 4082078, 15009465, 38286442, 8140431, 2738154, 3667568, 6667926, 23129109, 33105716, 34071368, 26460252, 35073585, 16846481, 28101869, 17295221, 33440782, 32877852, 26676819, 30349899, 34455742, 34275736, 33807613, 33477601, 30332696, 11435303, 19923982, 1912564)

Mayo Clinic Laboratories, Mayo Clinic
Classification: Pathogenic. Last evaluated: 2025-02-27. Review status: criteria provided, single submitter. Criteria: ACMG Guidelines, 2015. Collection method: clinical testing. Allele origin: germline. Observed: 4 variant alleles.
Comment: PM1, PM2_supporting, PM5, PS3, PS4_very_strong

Women's Health and Genetics/Laboratory Corporation of America, LabCorp
Classification: Pathogenic for Familial dysfibrinogenemia. Last evaluated: 2023-08-07. Review status: criteria provided, single submitter. Criteria: LabCorp Variant Classification Summary - May 2015. Collection method: clinical testing. Allele origin: germline.
Comment: Variant summary: FGA c.103C>T (p.Arg35Cys) results in a non-conservative amino acid change in the encoded protein sequence. Five of five in-silico tools predict a damaging effect of the variant on protein function. The variant allele was found at a frequency of 4e-06 in 251232 control chromosomes. In a cross-sectional review of the literature, c.103C>T has been reported as the "A alpha Arg16Cys" variant in heterozygous or homozygous genotypes in multple individuals affected with features of Dysfibrinogenemia, some of whom reported multiple coagulation factor deficiencies (example, Galanakis_1993, Miesbach_2010, Preisler_2021). The inheritance of dysfibrinogemia is most often autosomal dominant with reports of severely affected homozygotes as well some variably affected heterozygotes and some reportedly asymptomatic heterozygotes. The range of phenotypes encountered can vary from undue bleeding, easy bruising to those experienced thrombotic events (Miesbach_2010). These data indicate that the variant is very likely to be associated with disease. Experimental evidence demonstrating an impact on protein function was not ascertained in the context of this evaluation. The following publications have been ascertained in the context of this evaluation (PMID: 8457654, 15009465, 19923982, 33477601). One submitter has cited clinical-significance assessments for this variant to ClinVar after 2014 and has classified the variant as pathogenic. Based on the evidence outlined above, the variant was classified as pathogenic.

3billion
Classification: Likely pathogenic for Familial dysfibrinogenemia. Last evaluated: 2023-06-09. Review status: criteria provided, single submitter. Criteria: ACMG Guidelines, 2015. Collection method: clinical testing. Allele origin: germline. Affected: yes.
Comment: The variant is observed at an extremely low frequency in the gnomAD v2.1.1 dataset (total allele frequency: <0.001%). Predicted Consequence/Location: The variant is located in a mutational hot spot and/or well-established functional domain in which established pathogenic variants have been reported. Functional studies provide supporting evidence of the variant having a damaging effect on the gene or gene product (PMID: 16846481). Same nucleotide change resulting in same amino acid change has been previously reported to be associated with FGA related disorder (ClinVar ID: VCV000016399 /PMID: 8457654). The variant has been observed in at least two similarly affected unrelated individuals (PMID: 22967385, 26676819, 30349899). Different missense changes at the same codon (p.Arg35Gly, p.Arg35His, p.Arg35Pro, p.Arg35Ser) have been reported as pathogenic/likely pathogenic with strong evidence (ClinVar ID: VCV000016404, VCV000627196, VCV000627199, VCV001684488 /PMID: 19923982, 23061815, 7298640). Therefore, this variant is classified as Likely pathogenic according to the recommendation of ACMG/AMP guideline.

PreventionGenetics, part of Exact Sciences
Classification: Pathogenic for FGA-related condition. Last evaluated: 2024-01-04. Review status: no assertion criteria provided. Collection method: clinical testing. Allele origin: germline. Not counted in ClinVar's aggregate classification.
Comment: The FGA c.103C>T variant is predicted to result in the amino acid substitution p.Arg35Cys. This variant is also described using legacy nomenclature as p.Arg16Cys, has been reported to be causative for autosomal dominant dysfibrinogenemia in several families (Miesbach et al. 2010. PubMed ID: 19923982; Galanakis et al. 1993. PubMed ID: 8457654; Jiang et al. 2012. PubMed ID: 22967385). Other missense variants affecting amino acid residue p.Arg35 have also been reported in many patients with dysfibrinogenemia suggesting p.Arg35 is important for proper FGA protein function (see p.Arg35Ser Miesbach et al. 2010. PubMed ID: 19923982; p.Arg35His Soya et al. 2012. PubMed ID: 22880226; p.Ser35Pro Shapiro et al. 2013. PubMed ID: 23061815). This variant is reported in 0.0040% of alleles in individuals of African descent in gnomAD. This variant is interpreted as pathogenic.

OMIM
Classification: Pathogenic for FIBRINOGEN METZ 1. Last evaluated: 2006-07-01. Review status: no assertion criteria provided. Collection method: literature only. Allele origin: germline. Not counted in ClinVar's aggregate classification.

Literature cited by the submitters: PubMed 16846481 (cited by 3 submitters); PubMed 1912564 (cited by Mayo Clinic Laboratories, Mayo Clinic and OMIM); PubMed 22967385 (cited by Mayo Clinic Laboratories, Mayo Clinic and 3billion); PubMed 26676819 (cited by Mayo Clinic Laboratories, Mayo Clinic and 3billion); PubMed 2738154 (cited by Mayo Clinic Laboratories, Mayo Clinic); PubMed 28101869 (cited by Mayo Clinic Laboratories, Mayo Clinic); PubMed 30332696 (cited by Mayo Clinic Laboratories, Mayo Clinic); PubMed 30349899 (cited by Mayo Clinic Laboratories, Mayo Clinic and 3billion); PubMed 31924745 (cited by Mayo Clinic Laboratories, Mayo Clinic); PubMed 32877852 (cited by Mayo Clinic Laboratories, Mayo Clinic); PubMed 33807613 (cited by Mayo Clinic Laboratories, Mayo Clinic); PubMed 34275736 (cited by Mayo Clinic Laboratories, Mayo Clinic); PubMed 38387429 (cited by Mayo Clinic Laboratories, Mayo Clinic); PubMed 8457654 (cited by 3 submitters); PubMed 19923982 (cited by Women's Health and Genetics/Laboratory Corporation of America, LabCorp and 3billion); PubMed 33477601 (cited by Women's Health and Genetics/Laboratory Corporation of America, LabCorp); PubMed 15009465 (cited by Women's Health and Genetics/Laboratory Corporation of America, LabCorp); Henschen, A., Southan, C., Soria, J., Soria, C., Samama, M. Structure abnormality of fibrinogen Metz and its relation to the clotting defect. (Abstract) Thromb. Haemost. 45: 103-only, 1981. (cited by OMIM); Southan, C., Henschen, A., Lottspeich, F. The search for molecular defects in abnormal fibrinogens. In: Henschen, A., Graeff, H., Lottspeich, F. (eds.) Fibrinogen--Recent Biochemical and Medical Aspects. Berlin: W. de Gruyter (pub.) 153-166, 1982. (cited by OMIM); PubMed 6667926 (cited by OMIM); PubMed 4082078 (cited by OMIM); Miyashita, C., Schwamborn, J., von Blohn, G., Wenzel, E., Hellstern, P. Preliminary report concerning two new cases of congenital dysfibrinogenemia (Homburg II and Homburg III). In: Henschen, A., Hessel, B., McDonagh, J., Saldeen, T. (eds.) Fibrinogen--Structural Variants and Interactions. Berlin: Walter de Gruyter (pub.) 237-246, 1985. (cited by OMIM); PubMed 3667568 (cited by OMIM); PubMed 8140431 (cited by OMIM); Galanakis, D. K., Henschen, A., Keeling, M., Kehl, M., Dismore, R., Peerschke, E. I. Fibrinogen Louisville: an A-alpha-16-arg-to-his defect that forms no hybrid molecules in heterozygous individuals and inhibits aggregation of normal fibrin monomers. Ann. N.Y. Acad. Sci. 408: 644-648, 1983. (cited by OMIM); PubMed 11435303 (cited by OMIM); PubMed 11460527 (cited by OMIM).

NM_000508.3(FGA):c.103C>T (p.Arg35Cys)

Gene: FGA (fibrinogen alpha chain; minus strand). Cytogenetic location: 4q31.3.
Variant type: single nucleotide variant.
Coding change: c.103C>T on transcript NM_000508.3; coding-DNA position 103, C replaced by T.
Protein change: p.Arg35Cys; replaces arginine 35 with cysteine.
Molecular consequence: missense variant (on NM_021871.4).
Genome position (GRCh38, 1-based): chr4:154,589,514, G>A on the plus strand (C>T on the coding strand, the complement: FGA is on the minus strand). VCF-style: chr4-154589514-G-A. GRCh37 (hg19) VCF-style: chr4-155510666-G-A.
Other names: R16C; FIBRINOGEN HERSHEY 2; FIBRINOGEN HOMBURG 2; FIBRINOGEN HOMBURG 3; FIBRINOGEN KAWAGUCHI 1; FIBRINOGEN LEOGAN; FIBRINOGEN METZ 1; FIBRINOGEN NEW ALBANY; and 9 more; short protein forms R35C.
Identifiers: ClinVar variation 16399 (VCV000016399.13), dbSNP rs121909606, ClinGen allele CA126465.